The following is an entry in ClinVar:

ClinVar aggregate classification (germline): Uncertain significance (1 of 4 stars; one submission).

Conditions:
Hereditary cancer-predisposing syndrome. Also called: Neoplastic Syndromes, Hereditary; Tumor predisposition; Hereditary neoplastic syndrome; Hereditary Cancer Syndrome. Identifiers: Orphanet 140162, MedGen C0027672, MeSH D009386, MONDO:0015356.
Cardiovascular phenotype. Identifiers: MedGen CN230736.

Submission:

Ambry Genetics
Classification: Uncertain significance for Cardiovascular phenotype; Hereditary cancer-predisposing syndrome. Last evaluated: 2023-04-19. Review status: criteria provided, single submitter. Criteria: Ambry Variant Classification Scheme 2023. Collection method: clinical testing. Allele origin: germline.
Comment: The p.F751L variant (also known as c.2253C>A), located in coding exon 19 of the LZTR1 gene, results from a C to A substitution at nucleotide position 2253. The phenylalanine at codon 751 is replaced by leucine, an amino acid with highly similar properties. This amino acid position is conserved. In addition, the in silico prediction for this alteration is inconclusive. Since supporting evidence is limited at this time, the clinical significance of this alteration remains unclear.

NM_006767.4(LZTR1):c.2253C>A (p.Phe751Leu)

Gene: LZTR1 (leucine zipper like post translational regulator 1; plus strand). Cytogenetic location: 22q11.21.
Variant type: single nucleotide variant.
Coding change: c.2253C>A on transcript NM_006767.4 (MANE Select); coding-DNA position 2253, C replaced by A.
Protein change: p.Phe751Leu; replaces phenylalanine 751 with leucine.
Molecular consequence: missense variant.
Genome position (GRCh38, 1-based): chr22:20,996,729, C>A. VCF-style: chr22-20996729-C-A. GRCh37 (hg19) VCF-style: chr22-21351018-C-A.
Other names: short protein forms F751L.
Identifiers: ClinVar variation 3238224 (VCV003238224.1), dbSNP rs143758478.